The following is an entry in ClinVar:

ClinVar aggregate classification (germline): Uncertain significance (1 of 4 stars; one submission).

gnomAD v4.1: 4 of 1,614,130 alleles (0.00025%); highest among the groups gnomAD compares: African/African-American, 0.004%; no homozygotes.

Submission:

GeneDx
Classification: Uncertain significance. Last evaluated: 2024-01-18. Review status: criteria provided, single submitter. Criteria: GeneDx Variant Classification Process June 2021. Collection method: clinical testing. Allele origin: germline. Affected: yes.
Comment: Not observed at significant frequency in large population cohorts (gnomAD); In silico analysis supports that this missense variant does not alter protein structure/function; Has not been previously published as pathogenic or benign to our knowledge

NM_001127453.2(GSDME):c.737A>G (p.Asn246Ser)

Gene: GSDME (gasdermin E; minus strand). Cytogenetic location: 7p15.3.
Variant type: single nucleotide variant.
Coding change: c.737A>G on transcript NM_001127453.2 (MANE Select); coding-DNA position 737, A replaced by G.
Protein change: p.Asn246Ser; replaces asparagine 246 with serine.
Molecular consequence: missense variant.
Genome position (GRCh38, 1-based): chr7:24,710,349, T>C on the plus strand (A>G on the coding strand, the complement: GSDME is on the minus strand). VCF-style: chr7-24710349-T-C. GRCh37 (hg19) VCF-style: chr7-24749968-T-C.
Other names: c.245A>G, p.Asn82Ser (NM_001127454.2); c.737A>G, p.Asn246Ser (NM_004403.3); short protein forms N246S, N82S.
Identifiers: ClinVar variation 3367500 (VCV003367500.1).